The following is an entry in ClinVar:

NM_001943.5(DSG2):c.2534T>C (p.Ile845Thr)

Genes: DSG2 (desmoglein 2; plus strand), DSG2-AS1 (DSG2 antisense RNA 1; minus strand). Cytogenetic location: 18q12.1.
Variant type: single nucleotide variant.
Coding change: c.2534T>C on transcript NM_001943.5 (MANE Select); coding-DNA position 2534, T replaced by C.
Protein change: p.Ile845Thr; replaces isoleucine 845 with threonine.
Molecular consequence: missense variant.
Genome position (GRCh38, 1-based): chr18:31,545,920, T>C. VCF-style: chr18-31545920-T-C. GRCh37 (hg19) VCF-style: chr18-29125883-T-C.
Other names: short protein forms I845T.
Identifiers: ClinVar variation 1515096 (VCV001515096.8), dbSNP rs1303479214, ClinGen allele CA402144871.

ClinVar aggregate classification (germline): Uncertain significance. Review status: criteria provided, multiple submitters, no conflicts (2 of 4 stars). 3 submissions from 3 submitters: Uncertain significance (3). Last evaluated 2025-02-24.

Conditions:
Cardiomyopathy (CMYO). Also called: Cardiomyopathies. Identifiers: Orphanet 167848, MedGen C0878544, MONDO:0004994, HP:0001638. Inheritance: Various modes of inheritance.
Arrhythmogenic right ventricular cardiomyopathy (ARVD). Also called: Cardiomyopathy, ARVC; Arrhythmogenic right ventricular dysplasia; Arrhythmogenic cardiomyopathy; Arrhythmogenic Right Ventricular Cardiomyopathy (ARVC). Identifiers: Orphanet 247, MedGen C0349788, MeSH D019571, MONDO:0016587. Disease mechanism: loss of function. Inheritance: Various modes of inheritance.
Arrhythmogenic right ventricular dysplasia 10. Also called: Arrhythmogenic right ventricular dysplasia/cardiomyopathy, type 10; Arrhythmogenic Right Ventricular Dysplasia/Cardiomyopathy10; ARRHYTHMOGENIC RIGHT VENTRICULAR DYSPLASIA, FAMILIAL, 10. Identifiers: MedGen C1857777, MONDO:0012434, OMIM 610193.

Allele frequency attached by ClinVar (database versions not stated): gnomAD 0.00001.
gnomAD v4.1: 1 of 1,613,974 alleles (0.000062%); no homozygotes.

Submissions (3):

Color Diagnostics, LLC DBA Color Health
Classification: Uncertain significance for Cardiomyopathy. Last evaluated: 2025-02-24. Review status: criteria provided, single submitter. Criteria: ACMG Guidelines, 2015. Collection method: clinical testing. Allele origin: germline.
Comment: This missense variant replaces isoleucine with threonine at codon 845 of the DSG2 protein. Computational prediction suggests that this variant may not impact protein structure and function (internally defined REVEL score threshold <= 0.5, PMID: 27666373). To our knowledge, functional studies have not been reported for this variant. This variant has not been reported in individuals affected with DSG2-related disorders in the literature. This variant has been identified in 1/31374 chromosomes in the general population by the Genome Aggregation Database (gnomAD). The available evidence is insufficient to determine the role of this variant in disease conclusively. Therefore, this variant is classified as a Variant of Uncertain Significance.

All of Us Research Program, National Institutes of Health
Classification: Uncertain significance for Arrhythmogenic right ventricular cardiomyopathy. Last evaluated: 2023-06-26. Review status: criteria provided, single submitter. Criteria: ACMG Guidelines, 2015. Collection method: clinical testing. Allele origin: germline. Inheritance: Autosomal dominant inheritance. Observed: 1 variant allele, 1 heterozygote.
Comment: This missense variant replaces isoleucine with threonine at codon 845 of the DSG2 protein. Computational prediction suggests that this variant may not impact protein structure and function (internally defined REVEL score threshold <= 0.5, PMID: 27666373). To our knowledge, functional studies have not been reported for this variant. This variant has not been reported in individuals affected with DSG2-related disorders in the literature. This variant has been identified in 1/31374 chromosomes in the general population by the Genome Aggregation Database (gnomAD). The available evidence is insufficient to determine the role of this variant in disease conclusively. Therefore, this variant is classified as a Variant of Uncertain Significance.

This study involves interpretation of variants in research participants for the purpose of population health screening. Participant phenotype was not available at the time of variant classification. Additional details can be found in publication PMID: 35346344, PMCID: PMC8962531

Labcorp Genetics (formerly Invitae), Labcorp
Classification: Uncertain significance for Arrhythmogenic right ventricular dysplasia 10. Last evaluated: 2023-03-27. Review status: criteria provided, single submitter. Criteria: Invitae Variant Classification Sherloc (09022015). Collection method: clinical testing. Allele origin: germline.
Comment: In summary, the available evidence is currently insufficient to determine the role of this variant in disease. Therefore, it has been classified as a Variant of Uncertain Significance. Advanced modeling of protein sequence and biophysical properties (such as structural, functional, and spatial information, amino acid conservation, physicochemical variation, residue mobility, and thermodynamic stability) performed at Invitae indicates that this missense variant is not expected to disrupt DSG2 protein function. ClinVar contains an entry for this variant (Variation ID: 1515096). This variant has not been reported in the literature in individuals affected with DSG2-related conditions. This variant is present in population databases (no rsID available, gnomAD 0.007%). This sequence change replaces isoleucine, which is neutral and non-polar, with threonine, which is neutral and polar, at codon 845 of the DSG2 protein (p.Ile845Thr).